The following is an entry in ClinVar:

ClinVar aggregate classification (germline): Uncertain significance (1 of 4 stars; one submission).

Conditions:
Hereditary cancer-predisposing syndrome. Also called: Tumor predisposition; Hereditary Cancer Syndrome; Hereditary neoplastic syndrome; Neoplastic Syndromes, Hereditary. Identifiers: Orphanet 140162, MedGen C0027672, MeSH D009386, MONDO:0015356.

Allele frequency attached by ClinVar (database versions not stated): ExAC 0.00001.

Submission:

Ambry Genetics
Classification: Uncertain significance for Hereditary cancer-predisposing syndrome. Last evaluated: 2023-06-27. Review status: criteria provided, single submitter. Criteria: Ambry Variant Classification Scheme 2023. Collection method: clinical testing. Allele origin: germline.
Comment: The p.D434G variant (also known as c.1301A>G), located in coding exon 13 of the BAP1 gene, results from an A to G substitution at nucleotide position 1301. The aspartic acid at codon 434 is replaced by glycine, an amino acid with similar properties. This amino acid position is conserved. In addition, this alteration is predicted to be tolerated by in silico analysis. Since supporting evidence is limited at this time, the clinical significance of this alteration remains unclear.

NM_004656.4(BAP1):c.1301A>G (p.Asp434Gly)

Gene: BAP1 (BRCA1 associated deubiquitinase 1; minus strand). Cytogenetic location: 3p21.1.
Variant type: single nucleotide variant.
Coding change: c.1301A>G on transcript NM_004656.4 (MANE Select); coding-DNA position 1301, A replaced by G.
Protein change: p.Asp434Gly; replaces aspartic acid 434 with glycine.
Molecular consequence: missense variant.
Genome position (GRCh38, 1-based): chr3:52,403,844, T>C on the plus strand (A>G on the coding strand, the complement: BAP1 is on the minus strand). VCF-style: chr3-52403844-T-C. GRCh37 (hg19) VCF-style: chr3-52437860-T-C.
Other names: c.1247A>G, p.Asp416Gly (NM_001410772.1); short protein forms D416G, D434G.
Identifiers: ClinVar variation 2626731 (VCV002626731.2), dbSNP rs772437485, ClinGen allele CA2436832.
Genomic context (GRCh38, chr3:52,403,844, plus strand): 5'-TCTTTGAGCTTCTCAGCCAAGACGTTGATGGTGTTGGGCTGCAGCACTGACAGTTGCCCA[T>C]CAGCAGAACCGCTCAATGCCCCTGGCTTCCCTGTTCCCTTCCCCTTATACCTGTGGGGCC-3'
Protein context (NP_004647.1, residues 424-444): GKPGALSGSA[Asp434Gly]GQLSVLQPNT